The following is an entry in ClinVar:

NM_002439.5(MSH3):c.693G>A (p.Pro231=)

Gene: MSH3 (mutS homolog 3; plus strand). Cytogenetic location: 5q14.1.
Variant type: single nucleotide variant.
Coding change: c.693G>A on transcript NM_002439.5 (MANE Select); coding-DNA position 693, G replaced by A.
Protein change: p.Pro231=; no amino-acid change (proline 231 retained).
Molecular consequence: synonymous variant.
Genome position (GRCh38, 1-based): chr5:80,670,210, G>A. VCF-style: chr5-80670210-G-A. GRCh37 (hg19) VCF-style: chr5-79966029-G-A.
Other names: p.Pro231=.
Identifiers: ClinVar variation 810935 (VCV000810935.33), dbSNP rs1805355, ClinGen allele CA3327679.

ClinVar aggregate classification (germline): Benign/Likely benign. Review status: criteria provided, multiple submitters, no conflicts (2 of 4 stars). 9 submissions from 9 submitters: Benign (8); Likely benign (1). Last evaluated 2026-02-04.

Conditions:
Hereditary cancer-predisposing syndrome. Also called: Neoplastic Syndromes, Hereditary; Tumor predisposition; Hereditary Cancer Syndrome; Hereditary neoplastic syndrome. Identifiers: Orphanet 140162, MedGen C0027672, MeSH D009386, MONDO:0015356.

Allele frequency attached by ClinVar (database versions not stated): gnomAD exomes 0.07991 and 0.13458; ESP Exome Variant Server 0.10157; gnomAD 0.12319 and 0.12475; ExAC 0.12625; TOPMed 0.14452; 1000 Genomes Project 0.18291; 1000 Genomes Project 30x 0.18598.
gnomAD v4.1: 136,605 of 1,613,768 alleles (8.5%); highest among the groups gnomAD compares: East Asian, 36%; 10,567 homozygotes.

Submissions (9):

Labcorp Genetics (formerly Invitae), Labcorp
Classification: Benign. Last evaluated: 2026-02-04. Review status: criteria provided, single submitter. Criteria: Invitae Variant Classification Sherloc (09022015). Collection method: clinical testing. Allele origin: germline.

ARUP Laboratories, Molecular Genetics and Genomics, ARUP Laboratories
Classification: Benign. Last evaluated: 2025-07-15. Review status: criteria provided, single submitter. Criteria: ARUP Molecular Germline Variant Investigation Process 2024. Collection method: clinical testing. Allele origin: germline.

GeneKor MSA
Classification: Benign for Hereditary cancer-predisposing syndrome. Last evaluated: 2025-07-10. Review status: criteria provided, single submitter. Criteria: ACMG Guidelines, 2015. Collection method: clinical testing. Allele origin: germline.

Institute for Biomarker Research, Medical Diagnostic Laboratories, L.L.C.
Classification: Benign for Hereditary cancer-predisposing syndrome. Last evaluated: 2024-12-23. Review status: criteria provided, single submitter. Criteria: ACMG Guidelines, 2015. Collection method: clinical testing. Allele origin: germline.
Comment: The synonymous variant NM_002439.5(MSH3):c.693G>A (p.Pro231=) has been reported to ClinVar as Benign with a status of (2 stars) criteria provided, multiple submitters, no conflicts (Variation ID 810935 as of 2024-12-05). The p.Pro231= variant is not predicted to disrupt an existing splice site. The p.Pro231= variant results in a substitution of a base that is not predicted conserved by GERP++ and PhyloP. For these reasons, this variant has been classified as Benign.

Blueprint Genetics
Classification: Likely benign. Last evaluated: 2024-11-26. Review status: criteria provided, single submitter. Criteria: ACMG Guidelines, 2015. Collection method: clinical testing. Allele origin: germline.

Mayo Clinic Laboratories, Mayo Clinic
Classification: Benign. Last evaluated: 2022-09-07. Review status: criteria provided, single submitter. Criteria: ACMG Guidelines, 2015. Collection method: clinical testing. Allele origin: germline. Observed: 114 variant alleles.
Comment: BA1, BP4, BP7

Sema4
Classification: Benign for Hereditary cancer-predisposing syndrome. Last evaluated: 2020-04-28. Review status: criteria provided, single submitter. Criteria: Sema4 Curation Guidelines. Collection method: curation. Allele origin: germline.

Ambry Genetics
Classification: Benign for Hereditary cancer-predisposing syndrome. Last evaluated: 2018-09-10. Review status: criteria provided, single submitter. Criteria: Ambry Variant Classification Scheme 2023. Collection method: clinical testing. Allele origin: germline.

GeneDx
Classification: Benign. Last evaluated: 2018-06-22. Review status: criteria provided, single submitter. Criteria: GeneDx Variant Classification Process June 2021. Collection method: clinical testing. Allele origin: germline. Affected: yes.
Comment: This variant is associated with the following publications: (PMID: 21128252, 27884173)